The following is an entry in ClinVar:

ClinVar aggregate classification (germline): Pathogenic. Review status: criteria provided, multiple submitters, no conflicts (2 of 4 stars). 6 submissions from 6 submitters: Pathogenic (6). Last evaluated 2025-01-07.

Conditions:
KRIT1-related disorder. Also called: KRIT1-related condition; KRIT1-related disorders.
Cerebral cavernous malformation (CCM). Also called: Cerebral cavernous malformations; Cavernous Hemangioma of Brain; Cerebral cavernous hemangioma (type); CAVERNOUS ANGIOMA, FAMILIAL; CAVERNOUS ANGIOMATOUS MALFORMATIONS; CEREBRAL CAPILLARY MALFORMATIONS. Identifiers: Orphanet 221061, MedGen C2919945, MONDO:0000820, OMIM 116860, HP:0033522.

Allele frequency attached by ClinVar (database versions not stated): gnomAD exomes below 0.00001; ExAC 0.00001.
gnomAD v4.1: 1 of 1,611,290 alleles (0.000062%); highest among the groups gnomAD compares: South Asian, 0.0011%; no homozygotes.

Submissions (6):

GeneDx
Classification: Pathogenic. Last evaluated: 2025-01-07. Review status: criteria provided, single submitter. Criteria: GeneDx Variant Classification Process June 2021. Collection method: clinical testing. Allele origin: germline. Affected: yes.
Comment: Nonsense variant predicted to result in protein truncation or nonsense mediated decay in a gene for which loss of function is a known mechanism of disease; Not observed at significant frequency in large population cohorts (gnomAD); This variant is associated with the following publications: (PMID: 25525159, 28703315, 17440989)

Labcorp Genetics (formerly Invitae), Labcorp
Classification: Pathogenic for Cerebral cavernous malformation. Last evaluated: 2022-04-20. Review status: criteria provided, single submitter. Criteria: Invitae Variant Classification Sherloc (09022015). Collection method: clinical testing. Allele origin: germline.
Comment: For these reasons, this variant has been classified as Pathogenic. This sequence change creates a premature translational stop signal (p.Gln66*) in the KRIT1 gene. It is expected to result in an absent or disrupted protein product. Loss-of-function variants in KRIT1 are known to be pathogenic (PMID: 10508515, 11222804, 12404106, 24689081). This variant is present in population databases (rs771656368, gnomAD 0.003%). This premature translational stop signal has been observed in individual(s) with cerebral cavernous malformations (PMID: 17440989). ClinVar contains an entry for this variant (Variation ID: 522191).

Blueprint Genetics
Classification: Pathogenic for KRIT1-related disorders. Last evaluated: 2021-12-16. Review status: criteria provided, single submitter. Criteria: ACMG Guidelines, 2015. Collection method: clinical testing. Allele origin: germline. Affected: yes. Observed: 1 variant allele.

Center for Genomics, Ann and Robert H. Lurie Children's Hospital of Chicago
Classification: Pathogenic for Cerebral cavernous malformation. Last evaluated: 2021-03-30. Review status: criteria provided, single submitter. Criteria: ACMG Guidelines, 2015. Collection method: clinical testing. Allele origin: germline.
Comment: KRIT1 NM_194456.1 exon 6 p.Gln66* (c.196C>T): This variant has been reported in the literature in 1 individual with headaches, seizures, focal hemorrhages, and neurological deficits, and it is assumed to be segregating with disease in 5 affected family members (Gianfrancesco 2007 PMID:17440989). This variant has also been reported in the literature in 1 individual with a phenotype originally suspected to be a lysosomal storage disease; however, this individual also carried an additional pathogenic variant in a different gene but was inconsistent with the expected inheritance pattern for disease (Wang 2017 PMID:28703315). This variant is present in 0.003% (1/30612) of South Asian alleles in the Genome Aggregation Database. This variant is present in ClinVar (Variation ID: 522191). This variant creates a premature stop at this codon which results in an absent or abnormal protein. Loss of function variants are a known mechanism of disease for this gene (Cianfruglia 2019 PMID:30658464). In summary, this variant is classified as pathogenic based on the data above.

Genome Diagnostics Laboratory, University Medical Center Utrecht
Classification: Pathogenic for Cerebral cavernous malformation. Last evaluated: 2017-07-28. Review status: criteria provided, single submitter. Criteria: ACGS Guidelines, 2013. Collection method: clinical testing. Allele origin: germline. Affected: yes. Study: VKGL Data-share Consensus.

Clinical Genetics DNA and cytogenetics Diagnostics Lab, Erasmus MC, Erasmus Medical Center
Classification: Pathogenic for Cerebral cavernous malformation. Last evaluated: 2015-09-21. Review status: criteria provided, single submitter. Criteria: ACGS Guidelines, 2013. Collection method: clinical testing. Allele origin: germline. Affected: yes. Study: VKGL Data-share Consensus.

Literature cited by the submitters: PubMed 10508515 (cited by Labcorp Genetics (formerly Invitae), Labcorp); PubMed 11222804 (cited by Labcorp Genetics (formerly Invitae), Labcorp); PubMed 12404106 (cited by Labcorp Genetics (formerly Invitae), Labcorp); PubMed 24689081 (cited by Labcorp Genetics (formerly Invitae), Labcorp); PubMed 17440989 (cited by Labcorp Genetics (formerly Invitae), Labcorp).

NM_194454.3(KRIT1):c.196C>T (p.Gln66Ter)

Gene: KRIT1 (KRIT1 ankyrin repeat containing; minus strand). Cytogenetic location: 7q21.2.
Variant type: single nucleotide variant.
Coding change: c.196C>T on transcript NM_194454.3 (MANE Select); coding-DNA position 196, C replaced by T.
Protein change: p.Gln66Ter; replaces glutamine 66 with a stop codon.
Molecular consequence: nonsense. On other transcripts: 5 prime UTR variant (1).
Genome position (GRCh38, 1-based): chr7:92,241,059, G>A on the plus strand (C>T on the coding strand, the complement: KRIT1 is on the minus strand). VCF-style: chr7-92241059-G-A. GRCh37 (hg19) VCF-style: chr7-91870373-G-A.
Other names: c.196C>T, p.Gln66Ter (NM_001013406.2, NM_001350669.1, NM_001350670.1 and 29 more transcripts); c.-388C>T (NM_001350671.1); short protein forms Q66*.
Identifiers: ClinVar variation 522191 (VCV000522191.10), dbSNP rs771656368, ClinGen allele CA4339454.
Genomic context (GRCh38, chr7:92,241,059, plus strand): 5'-TACCCTGGTTTGCAGGAGAAATTGGTTTGGTGGTTTCTACTACGTAATCCAATATGCCTT[G>A]TGTTATTTCACTGTTGCCTTGAAGTTTCGTTTCCAATAAAACTTTCTTTCTCTTTTTTTT-3'